The following is an entry in ClinVar:

NM_000297.4(PKD2):c.252G>A (p.Arg84=)

Genes: PKD2 (polycystin 2, transient receptor potential cation channel; plus strand), LOC129992813 (ATAC-STARR-seq lymphoblastoid silent region 15559; plus strand). Cytogenetic location: 4q22.1.
Variant type: single nucleotide variant.
Coding change: c.252G>A on transcript NM_000297.4 (MANE Select); coding-DNA position 252, G replaced by A.
Protein change: p.Arg84=; no amino-acid change (arginine 84 retained).
Molecular consequence: synonymous variant. On other transcripts: non-coding transcript variant (1).
Genome position (GRCh38, 1-based): chr4:88,007,985, G>A. VCF-style: chr4-88007985-G-A. GRCh37 (hg19) VCF-style: chr4-88929137-G-A.
Identifiers: ClinVar variation 3029471 (VCV003029471.2), dbSNP rs2476357502, ClinGen allele CA440296712.

ClinVar aggregate classification (germline): Likely benign (0 of 4 stars; one submission).

Conditions:
PKD2-related disorder. Also called: PKD2-related condition.

Submission:

PreventionGenetics, part of Exact Sciences
Classification: Likely benign for PKD2-related condition. Last evaluated: 2023-04-07. Review status: no assertion criteria provided. Collection method: clinical testing. Allele origin: germline.
Comment: This variant is classified as likely benign based on ACMG/AMP sequence variant interpretation guidelines (Richards et al. 2015 PMID: 25741868, with internal and published modifications).